The following is an entry in ClinVar:

NM_198695.2(KRTAP10-8):c.400T>G (p.Cys134Gly)

Genes: KRTAP10-8 (keratin associated protein 10-8; plus strand), TSPEAR (thrombospondin type laminin G domain and EAR repeats; minus strand). Cytogenetic location: 21q22.3.
Variant type: single nucleotide variant.
Coding change: c.400T>G on transcript NM_198695.2 (MANE Select); coding-DNA position 400, T replaced by G.
Protein change: p.Cys134Gly; replaces cysteine 134 with glycine.
Molecular consequence: missense variant. On other transcripts: intron variant (2).
Genome position (GRCh38, 1-based): chr21:44,612,500, T>G. VCF-style: chr21-44612500-T-G. GRCh37 (hg19) VCF-style: chr21-46032417-T-G.
Other names: c.83-44495A>C (NM_144991.3); c.-122-44495A>C (NM_001272037.2); short protein forms C134G.
Identifiers: ClinVar variation 3770419 (VCV003770419.13).
Genomic context (GRCh38, chr21:44,612,500, plus strand): 5'-TGCCAACAGGCCTGCTGTGTGCCTGTGTGCTGCAAGTCCAACTGCTGCAAGCCCGTGTGC[T>G]GCGTGTCCATCTGCTCTGGAGCTTCCTCCCCATGCTGCCAGCAGTCTAGCTGCCAGTCAG-3'
Protein context (NP_941968.2, residues 124-144): CKSNCCKPVC[Cys134Gly]VSICSGASSP

ClinVar aggregate classification (germline): Likely benign (1 of 4 stars; one submission).

gnomAD v4.1: 12,042 of 1,611,440 alleles (0.75%); highest among the groups gnomAD compares: Non-Finnish European, 0.87%; 54 homozygotes.

Submission:

CeGaT Center for Human Genetics Tuebingen
Classification: Likely benign. Last evaluated: 2025-01-01. Review status: criteria provided, single submitter. Criteria: CeGaT Center For Human Genetics Tuebingen Variant Classification Criteria Version 2. Collection method: clinical testing. Allele origin: germline. Affected: yes. Observed: 1 variant allele.
Comment: KRTAP10-8: BP4, BS2